The following is an entry in ClinVar:

NM_031407.7(HUWE1):c.1522C>G (p.Leu508Val)

Gene: HUWE1 (HECT, UBA and WWE domain containing E3 ubiquitin protein ligase 1; minus strand). Cytogenetic location: Xp11.22.
Variant type: single nucleotide variant.
Coding change: c.1522C>G on transcript NM_031407.7 (MANE Select); coding-DNA position 1522, C replaced by G.
Protein change: p.Leu508Val; replaces leucine 508 with valine.
Molecular consequence: missense variant.
Genome position (GRCh38, 1-based): chrX:53,625,226, G>C on the plus strand (C>G on the coding strand, the complement: HUWE1 is on the minus strand). VCF-style: chrX-53625226-G-C. GRCh37 (hg19) VCF-style: chrX-53652187-G-C.
Other names: short protein forms L508V.
Identifiers: ClinVar variation 1774453 (VCV001774453.2), dbSNP rs2527855002, ClinGen allele CA413152041.

ClinVar aggregate classification (germline): Uncertain significance (1 of 4 stars; one submission).

Conditions:
Inborn genetic diseases. Identifiers: MedGen C0950123, MeSH D030342.

Submission:

Ambry Genetics
Classification: Uncertain significance for Inborn genetic diseases. Last evaluated: 2018-07-27. Review status: criteria provided, single submitter. Criteria: Ambry Variant Classification Scheme 2023. Collection method: clinical testing. Allele origin: germline.
Comment: The p.L508V variant (also known as c.1522C>G), located in coding exon 15 of the HUWE1 gene, results from a C to G substitution at nucleotide position 1522. The leucine at codon 508 is replaced by valine, an amino acid with highly similar properties. This amino acid position is highly conserved in available vertebrate species. In addition, this alteration is predicted to be deleterious by in silico analysis. Since supporting evidence is limited at this time, the clinical significance of this alteration remains unclear.